The following is an entry in ClinVar:

NM_001291303.3(FAT4):c.5176-4905T>C

Gene: FAT4 (FAT atypical cadherin 4; plus strand). Cytogenetic location: 4q28.1.
Variant type: single nucleotide variant.
Coding change: c.5176-4905T>C on transcript NM_001291303.3 (MANE Select); 4905 bases into the intron before coding-DNA position 5176, T replaced by C.
Molecular consequence: intron variant.
Genome position (GRCh38, 1-based): chr4:125,393,879, T>C. VCF-style: chr4-125393879-T-C. GRCh37 (hg19) VCF-style: chr4-126315034-T-C.
Other names: c.5176-4905T>C (NM_001291285.3, NM_024582.6).
Identifiers: ClinVar variation 2688195 (VCV002688195.2), dbSNP rs925243, ClinGen allele CA104870682.

ClinVar aggregate classification (germline): Benign (1 of 4 stars; one submission).

Allele frequency attached by ClinVar (database versions not stated): 1000 Genomes Project 30x 0.93379; 1000 Genomes Project 0.93810; TOPMed 0.94436; ESP Exome Variant Server 0.94941; gnomAD 0.95213; gnomAD exomes 0.99310.
gnomAD v4.1: 745,711 of 757,402 alleles (98%); highest among the groups gnomAD compares: East Asian, 100%; 367,853 homozygotes.

Submission:

Unidad de Genómica Garrahan, Hospital de Pediatría Garrahan
Classification: Benign. Last evaluated: 2024-01-24. Review status: criteria provided, single submitter. Criteria: ACMG Guidelines, 2015. Collection method: clinical testing. Allele origin: germline. Affected: no. Observed: 94 variant alleles.
Comment: This variant is classified as Benign based on local population frequency. This variant was detected in 99% of patients studied by a panel of primary immunodeficiencies. Number of patients: 94. Only high quality variants are reported.